The following is an entry in ClinVar:

ClinVar aggregate classification (germline): Uncertain significance (1 of 4 stars; one submission).

Submission:

GeneDx
Classification: Uncertain significance. Last evaluated: 2020-08-17. Review status: criteria provided, single submitter. Criteria: GeneDx Variant Classification Process June 2021. Collection method: clinical testing. Allele origin: germline. Affected: yes.
Comment: Not observed in large population cohorts (Lek et al., 2016); Has not been previously published as pathogenic or benign to our knowledge; In-silico analysis is inconclusive as to whether the variant alters gene splicing. In the absence of RNA/functional studies, the actual effect of this sequence change is unknown.

NM_017780.4(CHD7):c.5070A>C (p.Pro1690=)

Gene: CHD7 (chromodomain helicase DNA binding protein 7; plus strand). Cytogenetic location: 8q12.2.
Variant type: single nucleotide variant.
Coding change: c.5070A>C on transcript NM_017780.4 (MANE Select); coding-DNA position 5070, A replaced by C.
Protein change: p.Pro1690=; no amino-acid change (proline 1690 retained).
Molecular consequence: synonymous variant. On other transcripts: intron variant (1).
Genome position (GRCh38, 1-based): chr8:60,845,269, A>C. VCF-style: chr8-60845269-A-C. GRCh37 (hg19) VCF-style: chr8-61757828-A-C.
Other names: c.1717-16960A>C (NM_001316690.1).
Identifiers: ClinVar variation 1309638 (VCV001309638.2), dbSNP rs2150793937, ClinGen allele CA461104589.
Genomic context (GRCh38, chr8:60,845,269, plus strand): 5'-AATGTAAAAGGCTTCTATTATTATTATGATGGTGATTCTAGGTTTGTCAGCTCCTGTGCC[A>C]AGGGGAAGGAAGGGAAAGAAGGTGAAAGCCCAGAGCACACAGCCGGTGGTGCAGGATGCC-3'
Protein context (NP_060250.2, residues 1680-1700): VNHSGLSAPV[Pro1690=]RGRKGKKVKA